The following is an entry in ClinVar:

NM_001370466.1(NOD2):c.1938C>G (p.Ile646Met)

Gene: NOD2 (nucleotide binding oligomerization domain containing 2; plus strand). Cytogenetic location: 16q12.1.
Variant type: single nucleotide variant.
Coding change: c.1938C>G on transcript NM_001370466.1 (MANE Select); coding-DNA position 1938, C replaced by G.
Protein change: p.Ile646Met; replaces isoleucine 646 with methionine.
Molecular consequence: missense variant. On other transcripts: non-coding transcript variant (1).
Genome position (GRCh38, 1-based): chr16:50,711,930, C>G. VCF-style: chr16-50711930-C-G. GRCh37 (hg19) VCF-style: chr16-50745841-C-G.
Other names: c.1938C>G, p.Ile646Met (NM_001293557.2); c.2019C>G, p.Ile673Met (NM_022162.3); short protein forms I673M, I646M.
Identifiers: ClinVar variation 2135136 (VCV002135136.4), dbSNP rs755473279, ClinGen allele CA8051674.
Genomic context (GRCh38, chr16:50,711,930, plus strand): 5'-GGGAAAGGACAGCAGCGTGGCAGCTTTGCTGCAGAAGGCCGAGCCGCACAACCTTCAGAT[C>G]ACAGCAGCCTTCCTGGCAGGGCTGTTGTCCCGGGAGCACTGGGGCCTGCTGGCTGAGTGC-3'
Protein context (NP_001357395.1, residues 636-656): LQKAEPHNLQ[Ile646Met]TAAFLAGLLS

ClinVar aggregate classification (germline): Uncertain significance (1 of 4 stars; one submission).

Conditions:
Blau syndrome (BLAUS). Also called: ARTHROCUTANEOUVEAL GRANULOMATOSIS; GRANULOMATOSIS, FAMILIAL JUVENILE SYSTEMIC; GRANULOMATOSIS, FAMILIAL, BLAU TYPE; GRANULOMATOUS INFLAMMATORY ARTHRITIS, DERMATITIS, AND UVEITIS, FAMILIAL; JABS SYNDROME. Identifiers: Orphanet 90340, MedGen C5201146, MONDO:0008523, OMIM 186580.
Regional enteritis. Also called: Enteritis, Granulomatous. Identifiers: MedGen C0678202, MeSH D003424.

Allele frequency attached by ClinVar (database versions not stated): TOPMed below 0.00001; ExAC 0.00001; gnomAD exomes 0.00001.
gnomAD v4.1: 3 of 1,611,470 alleles (0.00019%); highest among the groups gnomAD compares: Admixed American, 0.005%; no homozygotes.

Submission:

Labcorp Genetics (formerly Invitae), Labcorp
Classification: Uncertain significance for Regional enteritis; Blau syndrome. Last evaluated: 2025-01-28. Review status: criteria provided, single submitter. Criteria: Invitae Variant Classification Sherloc (09022015). Collection method: clinical testing. Allele origin: germline.
Comment: This sequence change replaces isoleucine, which is neutral and non-polar, with methionine, which is neutral and non-polar, at codon 673 of the NOD2 protein (p.Ile673Met). This variant is present in population databases (rs755473279, gnomAD 0.006%). This variant has not been reported in the literature in individuals affected with NOD2-related conditions. ClinVar contains an entry for this variant (Variation ID: 2135136). Invitae Evidence Modeling of protein sequence and biophysical properties (such as structural, functional, and spatial information, amino acid conservation, physicochemical variation, residue mobility, and thermodynamic stability) indicates that this missense variant is not expected to disrupt NOD2 protein function with a negative predictive value of 95%. In summary, the available evidence is currently insufficient to determine the role of this variant in disease. Therefore, it has been classified as a Variant of Uncertain Significance.